The following is an entry in ClinVar:

ClinVar aggregate classification (germline): Uncertain significance (1 of 4 stars; one submission).

Conditions:
Familial adenomatous polyposis 1 (FAP1). Also called: POLYPOSIS, ADENOMATOUS INTESTINAL; FAMILIAL ADENOMATOUS POLYPOSIS 1, ATTENUATED. Identifiers: MedGen C2713442, MONDO:0021056, OMIM 175100. Disease mechanism: loss of function.

Submission:

Labcorp Genetics (formerly Invitae), Labcorp
Classification: Uncertain significance for Familial adenomatous polyposis 1. Last evaluated: 2025-10-28. Review status: criteria provided, single submitter. Criteria: Invitae Variant Classification Sherloc (09022015). Collection method: clinical testing. Allele origin: germline.
Comment: This variant occurs in a non-coding region of the APC gene. It does not change the encoded amino acid sequence of the APC protein. This variant is not present in population databases (gnomAD no frequency). This variant has not been reported in the literature in individuals affected with APC-related conditions. Experimental studies and prediction algorithms are not available or were not evaluated, and the functional significance of this variant is currently unknown. In summary, the available evidence is currently insufficient to determine the role of this variant in disease. Therefore, it has been classified as a Variant of Uncertain Significance.

NM_001127511.3(APC):c.151_152insTACTT (p.Ala51fs)

Gene: APC (APC regulator of Wnt signaling pathway; plus strand). Cytogenetic location: 5q22.2.
Variant type: Insertion.
Coding change: c.151_152insTACTT on transcript NM_001127511.3; coding-DNA positions 151 to 152, TACTT inserted.
Protein change: p.Ala51fs; shifts the reading frame from alanine 51.
Molecular consequence: frameshift variant. On other transcripts: 5 prime UTR variant (8), non-coding transcript variant (1), intron variant (5).
Genome position: GRCh38 VCF-style: chr5-112707868-G-GTACTT. GRCh37 (hg19) VCF-style: chr5-112043565-G-GTACTT.
Other names: c.-33_-32insTACTT (NM_001354895.2, NM_001407447.1, NM_001407452.1 and 3 more transcripts); c.151_152insTACTT, p.Ala51fs (NM_001354897.2, NM_001354902.2, NM_001407446.1); c.-1068_-1067insTACTT (NM_001407470.1, NM_001407472.1); c.-19+219_-19+220insTACTT (NM_001407448.1, NM_001407450.1, NM_001407457.1 and 1 more transcripts); c.-43+219_-43+220insTACTT (NM_001407453.1); short protein forms A51fs.
Identifiers: ClinVar variation 4714688 (VCV004714688.1).
Genomic context (GRCh38, chr5:112,707,868, plus strand): 5'-AGGAGCTGCGTCCGGCAGGAGACGAAGAGCCCGGGCGGCGCTCGTACTTCTGGCCACTGG[G>GTACTT]CGAGCGTCTGGCAGGTGAGTGAGGCTGCAGGCATTGACGTCTCCTCCCGGCAAAGCTTCC-3'